The following is an entry in ClinVar:

NM_000535.7(PMS2):c.1508C>T (p.Ser503Phe)

Gene: PMS2 (PMS1 homolog 2, mismatch repair system component; minus strand). Cytogenetic location: 7p22.1.
Variant type: single nucleotide variant.
Coding change: c.1508C>T on transcript NM_000535.7 (MANE Select); coding-DNA position 1508, C replaced by T.
Protein change: p.Ser503Phe; replaces serine 503 with phenylalanine.
Molecular consequence: missense variant. On other transcripts: non-coding transcript variant (1).
Genome position (GRCh38, 1-based): chr7:5,987,257, G>A on the plus strand (C>T on the coding strand, the complement: PMS2 is on the minus strand). VCF-style: chr7-5987257-G-A. GRCh37 (hg19) VCF-style: chr7-6026888-G-A.
Other names: c.1103C>T, p.Ser368Phe (NM_001322003.2, NM_001322004.2, NM_001322005.2 and 1 more transcripts); c.1352C>T, p.Ser451Phe (NM_001322006.2); c.1190C>T, p.Ser397Phe (NM_001322007.2, NM_001322008.2); c.947C>T, p.Ser316Phe (NM_001322010.2); c.575C>T, p.Ser192Phe (NM_001322011.2, NM_001322012.2); c.935C>T, p.Ser312Phe (NM_001322013.2); c.1508C>T, p.Ser503Phe (NM_001322014.2); c.1199C>T, p.Ser400Phe (NM_001322015.2); short protein forms S503F, S368F, S400F, S192F, S316F, S451F, S312F, S397F.
Identifiers: ClinVar variation 455655 (VCV000455655.10), dbSNP rs777920014, ClinGen allele CA366741731.

ClinVar aggregate classification (germline): Uncertain significance. Review status: criteria provided, multiple submitters, no conflicts (2 of 4 stars). 2 submissions from 2 submitters: Uncertain significance (2). Last evaluated 2025-10-15.

Conditions:
Hereditary nonpolyposis colorectal neoplasms. Identifiers: MedGen C0009405, MeSH D003123.
Hereditary cancer-predisposing syndrome. Also called: Hereditary Cancer Syndrome; Hereditary neoplastic syndrome; Neoplastic Syndromes, Hereditary; Tumor predisposition. Identifiers: Orphanet 140162, MedGen C0027672, MeSH D009386, MONDO:0015356.

Submissions (2):

Ambry Genetics
Classification: Uncertain significance for Hereditary cancer-predisposing syndrome. Last evaluated: 2025-10-15. Review status: criteria provided, single submitter. Criteria: Ambry Variant Classification Scheme 2023. Collection method: clinical testing. Allele origin: germline.
Comment: The p.S503F variant (also known as c.1508C>T), located in coding exon 11 of the PMS2 gene, results from a C to T substitution at nucleotide position 1508. The serine at codon 503 is replaced by phenylalanine, an amino acid with highly dissimilar properties. This amino acid position is conserved. In addition, this alteration is predicted to be tolerated by in silico analysis. Based on the available evidence, the clinical significance of this variant remains unclear.

Labcorp Genetics (formerly Invitae), Labcorp
Classification: Uncertain significance for Hereditary nonpolyposis colorectal neoplasms. Last evaluated: 2019-03-14. Review status: criteria provided, single submitter. Criteria: Invitae Variant Classification Sherloc (09022015). Collection method: clinical testing. Allele origin: germline.
Comment: In summary, this variant is a novel missense change that is not predicted to affect protein function. There is no indication that it causes disease, but the available evidence is currently insufficient to prove that conclusively. Therefore, it has been classified as a Variant of Uncertain Significance. Algorithms developed to predict the effect of missense changes on protein structure and function (SIFT, PolyPhen-2, Align-GVGD) all suggest that this variant is likely to be tolerated, but these predictions have not been confirmed by published functional studies. This variant is not present in population databases (ExAC no frequency) and has not been reported in the literature in individuals with a PMS2-related disease. This sequence change replaces serine with phenylalanine at codon 503 of the PMS2 protein (p.Ser503Phe). The serine residue is moderately conserved and there is a large physicochemical difference between serine and phenylalanine.